The following is an entry in ClinVar:

ClinVar aggregate classification (germline): Uncertain significance (1 of 4 stars; one submission).

Conditions:
Primary dilated cardiomyopathy (DCM). Also called: Dilated Cardiomyopathy. Identifiers: Orphanet 217604, MedGen C0007193, MeSH D002311, MONDO:0005021, HP:0001644. Inheritance: Various modes of inheritance.

gnomAD v4.1: 16 of 1,610,392 alleles (0.00099%); highest among the groups gnomAD compares: Non-Finnish European, 0.0014%; no homozygotes.

Submission:

Labcorp Genetics (formerly Invitae), Labcorp
Classification: Uncertain significance for Primary dilated cardiomyopathy. Last evaluated: 2024-04-18. Review status: criteria provided, single submitter. Criteria: Invitae Variant Classification Sherloc (09022015). Collection method: clinical testing. Allele origin: germline.
Comment: This sequence change replaces tyrosine, which is neutral and polar, with cysteine, which is neutral and slightly polar, at codon 555 of the NEBL protein (p.Tyr555Cys). This variant is present in population databases (rs138319608, gnomAD 0.003%). This variant has not been reported in the literature in individuals affected with NEBL-related conditions. Algorithms developed to predict the effect of missense changes on protein structure and function output the following: SIFT: "Not Available"; PolyPhen-2: "Benign"; Align-GVGD: "Not Available". The cysteine amino acid residue is found in multiple mammalian species, which suggests that this missense change does not adversely affect protein function. In summary, the available evidence is currently insufficient to determine the role of this variant in disease. Therefore, it has been classified as a Variant of Uncertain Significance.

NM_006393.3(NEBL):c.1664A>G (p.Tyr555Cys)

Gene: NEBL (nebulette; minus strand). Cytogenetic location: 10p12.31.
Variant type: single nucleotide variant.
Coding change: c.1664A>G on transcript NM_006393.3 (MANE Select); coding-DNA position 1664, A replaced by G.
Protein change: p.Tyr555Cys; replaces tyrosine 555 with cysteine.
Molecular consequence: missense variant. On other transcripts: intron variant (9).
Genome position (GRCh38, 1-based): chr10:20,831,203, T>C on the plus strand (A>G on the coding strand, the complement: NEBL is on the minus strand). VCF-style: chr10-20831203-T-C. GRCh37 (hg19) VCF-style: chr10-21120132-T-C.
Other names: c.250-18263A>G (NM_001377326.1, NM_001377327.1, NM_001377328.1); c.358-18263A>G (NM_213569.2, NM_001173484.2, NM_001377322.1); c.301-18263A>G (NM_001377324.1); c.292-18263A>G (NM_001377325.1); c.310-18263A>G (NM_001377323.1); short protein forms Y555C.
Identifiers: ClinVar variation 3730205 (VCV003730205.2).